The following is an entry in ClinVar:

ClinVar aggregate classification (germline): Likely pathogenic (1 of 4 stars; one submission).

Conditions:
REST-related disorder. Also called: REST-related condition.

Submission:

3billion
Classification: Likely pathogenic for REST-related disorder. Last evaluated: 2025-08-04. Review status: criteria provided, single submitter. Criteria: ACMG Guidelines, 2015. Collection method: clinical testing. Allele origin: germline. Affected: yes.
Comment: The variant is not observed in the gnomAD v4.1.0 dataset. Predicted Consequence/Location: Frameshift: predicted to result in a loss or disruption of normal protein function through protein truncation. The predicted truncated protein may be shortened by more than 10%. Therefore, this variant is classified as Likely pathogenic according to the recommendation of ACMG/AMP guideline.

NM_005612.5(REST):c.2243_2247del (p.Glu748fs)

Gene: REST (RE1 silencing transcription factor; plus strand). Cytogenetic location: 4q12.
Variant type: Deletion.
Coding change: c.2243_2247del on transcript NM_005612.5 (MANE Select); coding-DNA positions 2243 to 2247, 5 bases deleted (AGCTG; older notation c.2243_2247delAGCTG).
Protein change: p.Glu748fs; shifts the reading frame from glutamic acid 748.
Molecular consequence: frameshift variant.
Genome position (GRCh38, 1-based): chr4:56,931,101-56,931,105, AGCTG deleted; deleting any 5 consecutive bases within chr4:56,931,100-56,931,105 gives the same sequence; the c. name uses the placement nearest the transcript's 3' end. VCF-style (leftmost placement, unchanged base first): chr4-56931099-AGAGCT-A. GRCh37 (hg19) VCF-style: chr4-57797265-AGAGCT-A.
Other names: c.2243_2247del, p.Glu748fs (NM_001193508.2, NM_001363453.3); c.2159_2163del, p.Glu720fs (NM_001440532.1, NM_001440533.1); short protein forms E720fs, E748fs.
Identifiers: ClinVar variation 4854336 (VCV004854336.1).
Genomic context (GRCh38, chr4:56,931,099, plus strand): 5'-GCCTGTTCAGATGGAGCTGTCTCCTCCCATGGAGGTGGTCCAGAAGGAGCCTGTTCAGAT[AGAGCT>A]GTCTCCTCCCATGGAGGTGGTCCAGAAGGAACCTGTTAAGATAGAGCTGTCTCCTCCCAT-3'